The following is an entry in ClinVar:

NM_003742.4(ABCB11):c.2344-1G>T

Gene: ABCB11 (ATP binding cassette subfamily B member 11; minus strand). Cytogenetic location: 2q31.1.
Variant type: single nucleotide variant.
Coding change: c.2344-1G>T on transcript NM_003742.4 (MANE Select); the canonical splice acceptor site of the intron before coding-DNA position 2344, G replaced by T.
Molecular consequence: splice acceptor variant.
Genome position (GRCh38, 1-based): chr2:168,944,962, C>A on the plus strand (G>T on the coding strand, the complement: ABCB11 is on the minus strand). VCF-style: chr2-168944962-C-A. GRCh37 (hg19) VCF-style: chr2-169801472-C-A.
Identifiers: ClinVar variation 4846700 (VCV004846700.1).

ClinVar aggregate classification (germline): Pathogenic (1 of 4 stars; one submission).

Conditions:
Familial intrahepatic cholestasis. Identifiers: Orphanet 284385, MedGen CN296401, MONDO:0017290.

Submission:

Genomenon, Inc
Classification: Pathogenic for Familial intrahepatic cholestasis. Last evaluated: 2026-04-14. Review status: criteria provided, single submitter. Criteria: Genomenon Sequence Variant Interpretation Standards - Updated. Collection method: curation. Allele origin: germline. Affected: yes.
Comment: ABCB11 c.2344-1G>T is a canonical splice variant affecting the acceptor splice site of intron 19. It is predicted to affect mRNA splicing, leading to a deleterious effect on the ABCB11 protein. This variant has been observed in at least one proband with an ABCB11-related disorder (PMID:25847299). It is absent or not present at a significant frequency in gnomAD. In conclusion, we classify ABCB11 c.2344-1G>T as a pathogenic variant.

Literature cited by the submitters: PubMed 25847299.